The following is an entry in ClinVar:

NM_000455.5(STK11):c.648C>A (p.Ser216=)

Gene: STK11 (serine/threonine kinase 11; plus strand). Cytogenetic location: 19p13.3.
Variant type: single nucleotide variant.
Coding change: c.648C>A on transcript NM_000455.5 (MANE Select); coding-DNA position 648, C replaced by A.
Protein change: p.Ser216=; no amino-acid change (serine 216 retained).
Molecular consequence: synonymous variant. On other transcripts: non-coding transcript variant (1).
Genome position (GRCh38, 1-based): chr19:1,220,631, C>A. VCF-style: chr19-1220631-C-A. GRCh37 (hg19) VCF-style: chr19-1220630-C-A.
Other names: c.648C>A, p.Ser216= (NM_001407255.1).
Identifiers: ClinVar variation 1753808 (VCV001753808.8), dbSNP rs376083300, ClinGen allele CA504892386.
Genomic context (GRCh38, chr19:1,220,631, plus strand): 5'-ACCGCCACAGGCACTGCACCCGTTCGCGGCGGACGACACCTGCCGGACCAGCCAGGGCTC[C>A]CCGGCTTTCCAGCCGCCCGAGATTGCCAACGGCCTGGACACCTTCTCCGGCTTCAAGGTG-3'
Protein context (NP_000446.1, residues 206-226): ADDTCRTSQG[Ser216=]PAFQPPEIAN

ClinVar aggregate classification (germline): Benign/Likely benign. Review status: criteria provided, multiple submitters, no conflicts (2 of 4 stars). 3 submissions from 3 submitters: Benign (1); Likely benign (2). Last evaluated 2025-03-26.

Conditions:
Hereditary cancer-predisposing syndrome. Also called: Neoplastic Syndromes, Hereditary; Tumor predisposition; Hereditary neoplastic syndrome; Hereditary Cancer Syndrome. Identifiers: Orphanet 140162, MedGen C0027672, MeSH D009386, MONDO:0015356.
Peutz-Jeghers syndrome (PJS). Also called: POLYPOSIS, HAMARTOMATOUS INTESTINAL; POLYPS-AND-SPOTS SYNDROME; Peutz-Jeghers polyposis; Periorificial lentiginosis syndrome. Identifiers: Orphanet 2869, MedGen C0031269, MeSH D010580, MONDO:0008280, OMIM 175200.

Submissions (3):

Myriad Genetics, Inc.
Classification: Benign for Peutz-Jeghers syndrome. Last evaluated: 2025-03-26. Review status: criteria provided, single submitter. Criteria: Myriad Autosomal Dominant, Autosomal Recessive and X-Linked Classification Criteria (2023). Collection method: clinical testing. Allele origin: unknown.
Comment: This variant is considered benign. This variant is a silent/synonymous amino acid change and it is not expected to impact splicing.

Labcorp Genetics (formerly Invitae), Labcorp
Classification: Likely benign for Peutz-Jeghers syndrome. Last evaluated: 2022-06-22. Review status: criteria provided, single submitter. Criteria: Invitae Variant Classification Sherloc (09022015). Collection method: clinical testing. Allele origin: germline.

Ambry Genetics
Classification: Likely benign for Hereditary cancer-predisposing syndrome. Last evaluated: 2022-06-13. Review status: criteria provided, single submitter. Criteria: Ambry Variant Classification Scheme 2023. Collection method: clinical testing. Allele origin: germline.